The following is an entry in ClinVar:

ClinVar aggregate classification (germline): Uncertain significance. Review status: criteria provided, multiple submitters, no conflicts (2 of 4 stars). 3 submissions from 3 submitters: Uncertain significance (3). Last evaluated 2025-07-15.

Conditions:
Congenital muscular dystrophy due to integrin alpha-7 deficiency. Also called: MYOPATHY, CONGENITAL, DUE TO INTEGRIN ALPHA-7 DEFICIENCY; Congenital muscular dystrophy with integrin alpha-7 deficiency; Muscular dystrophy, congenital, due to ITGA7 deficiency. Identifiers: Orphanet 34520, MedGen C2750786, MONDO:0013177, OMIM 613204.

Allele frequency attached by ClinVar (database versions not stated): gnomAD exomes 0.00001 and 0.00002; ExAC 0.00002; TOPMed 0.00010; gnomAD 0.00011 and 0.00012.
gnomAD v4.1: 25 of 1,599,680 alleles (0.0016%); highest among the groups gnomAD compares: African/African-American, 0.032%; no homozygotes.

Submissions (3):

Ambry Genetics
Classification: Uncertain significance. Last evaluated: 2025-07-15. Review status: criteria provided, single submitter. Criteria: Ambry Variant Classification Scheme 2023. Collection method: clinical testing. Allele origin: germline.

Labcorp Genetics (formerly Invitae), Labcorp
Classification: Uncertain significance for Congenital muscular dystrophy due to integrin alpha-7 deficiency. Last evaluated: 2022-08-23. Review status: criteria provided, single submitter. Criteria: Invitae Variant Classification Sherloc (09022015). Collection method: clinical testing. Allele origin: germline.
Comment: This sequence change replaces glycine, which is neutral and non-polar, with arginine, which is basic and polar, at codon 1130 of the ITGA7 protein (p.Gly1130Arg). This variant is present in population databases (rs770066237, gnomAD 0.02%). This variant has not been reported in the literature in individuals affected with ITGA7-related conditions. ClinVar contains an entry for this variant (Variation ID: 537987). Algorithms developed to predict the effect of missense changes on protein structure and function output the following: SIFT: "Tolerated"; PolyPhen-2: "Benign"; Align-GVGD: "Class C0". The arginine amino acid residue is found in multiple mammalian species, which suggests that this missense change does not adversely affect protein function. Algorithms developed to predict the effect of sequence changes on RNA splicing suggest that this variant may create or strengthen a splice site. In summary, the available evidence is currently insufficient to determine the role of this variant in disease. Therefore, it has been classified as a Variant of Uncertain Significance.

Revvity Omics, Revvity
Classification: Uncertain significance for Congenital muscular dystrophy due to integrin alpha-7 deficiency. Last evaluated: 2020-08-27. Review status: criteria provided, single submitter. Criteria: ACMG Guidelines, 2015. Collection method: clinical testing. Allele origin: germline.

NM_002206.3(ITGA7):c.3388G>A (p.Gly1130Arg)

Gene: ITGA7 (integrin subunit alpha 7; minus strand). Cytogenetic location: 12q13.2.
Variant type: single nucleotide variant.
Coding change: c.3388G>A on transcript NM_002206.3 (MANE Select); coding-DNA position 3388, G replaced by A.
Protein change: p.Gly1130Arg; replaces glycine 1130 with arginine.
Molecular consequence: missense variant.
Genome position (GRCh38, 1-based): chr12:55,685,084, C>T on the plus strand (G>A on the coding strand, the complement: ITGA7 is on the minus strand). VCF-style: chr12-55685084-C-T. GRCh37 (hg19) VCF-style: chr12-56078868-C-T.
Other names: c.3400G>A, p.Gly1134Arg (NM_001144996.2); c.3109G>A, p.Gly1037Arg (NM_001144997.2); c.3061G>A, p.Gly1021Arg (NM_001367993.1); c.2044G>A, p.Gly682Arg (NM_001367994.1); c.3370G>A, p.Gly1124Arg (NM_001374465.1); c.3520G>A, p.Gly1174Arg (NM_001410977.1); c.3382G>A, p.Gly1128Arg (NM_001414029.1); c.3313G>A, p.Gly1105Arg (NM_001414030.1); and 5 more; short protein forms G1130R, G1037R, G1021R, G682R, G1134R, G1124R, G1174R, G1101R.
Identifiers: ClinVar variation 537987 (VCV000537987.8), dbSNP rs770066237, ClinGen allele CA6615228.